The following is an entry in ClinVar:

NM_001164508.2(NEB):c.23878_23881dup (p.Thr7961fs)

Genes: NEB (nebulin; minus strand), RIF1 (replication timing regulatory factor 1; plus strand). Cytogenetic location: 2q23.3.
Variant type: Duplication.
Coding change: c.23878_23881dup on transcript NM_001164508.2 (MANE Select); coding-DNA positions 23878 to 23881, 4 bases duplicated (ATCA; older notation c.23878_23881dupATCA).
Protein change: p.Thr7961fs; shifts the reading frame from threonine 7961.
Molecular consequence: frameshift variant.
Genome position (GRCh38, 1-based): chr2:151,502,840-151,502,843, TGAT duplicated on the plus strand (ATCA on the coding strand, the reverse complement: NEB is on the minus strand). VCF-style (leftmost placement, unchanged base first): chr2-151502839-G-GTGAT. GRCh37 (hg19) VCF-style: chr2-152359353-G-GTGAT.
Other names: c.23878_23881dup, p.Thr7961fs (NM_001164507.2); c.23983_23986dup, p.Thr7996fs (NM_001271208.2); c.18775_18778dup, p.Thr6260fs (NM_004543.5); short protein forms T6260fs, T7961fs, T7996fs.
Identifiers: ClinVar variation 2677045 (VCV002677045.6), dbSNP rs2551935766, ClinGen allele CA2586970017.

ClinVar aggregate classification (germline): Pathogenic/Likely pathogenic. Review status: criteria provided, multiple submitters, no conflicts (2 of 4 stars). 4 submissions from 4 submitters: Pathogenic (3); Likely pathogenic (1). Last evaluated 2026-07-15.

Conditions:
Arthrogryposis multiplex congenita 6. Identifiers: MedGen C5543431, MONDO:0030281, OMIM 619334.
Nemaline myopathy 2 (NEM2). Also called: Nemaline myopathy 2, autosomal recessive. Identifiers: MedGen C1850569, MONDO:0009725, OMIM 256030.

Submissions (4):

Myriad Genetics, Inc.
Classification: Pathogenic for Nemaline myopathy 2. Last evaluated: 2026-07-15. Review status: criteria provided, single submitter. Criteria: Myriad Autosomal Dominant, Autosomal Recessive and X-Linked Classification Criteria (2023). Collection method: clinical testing. Allele origin: unknown.
Comment: NM_001271208.1(NEB):c.23983_23986dupATCA(T7996Nfs*16) is a frameshift variant classified as pathogenic in the context of NEB-related nemaline myopathy. T7996Nfs*16 has been observed in a case with relevant disease (PMID: 36233295). Relevant functional assessments of this variant are not available in the literature. T7996Nfs*16 has not been observed in referenced population frequency databases. In summary, NM_001271208.1(NEB):c.23983_23986dupATCA(T7996Nfs*16) is a frameshift variant in a gene where loss of function is a known mechanism of disease, is predicted to disrupt protein function, and has been observed more frequently in cases with the relevant disease than in healthy populations. Please note: this variant was assessed in the context of healthy population screening.

Labcorp Genetics (formerly Invitae), Labcorp
Classification: Pathogenic for Nemaline myopathy 2. Last evaluated: 2025-09-10. Review status: criteria provided, single submitter. Criteria: Invitae Variant Classification Sherloc (09022015). Collection method: clinical testing. Allele origin: germline.
Comment: This sequence change creates a premature translational stop signal (p.Thr7996Asnfs*16) in the NEB gene. It is expected to result in an absent or disrupted protein product. Loss-of-function variants in NEB are known to be pathogenic (PMID: 25205138). This variant is not present in population databases (gnomAD no frequency). This variant has not been reported in the literature in individuals affected with NEB-related conditions. ClinVar contains an entry for this variant (Variation ID: 2677045). Algorithms developed to predict the effect of sequence changes on RNA splicing suggest that this variant may disrupt the consensus splice site. For these reasons, this variant has been classified as Pathogenic.

Natera, Inc.
Classification: Likely pathogenic for Nemaline myopathy type 2. Last evaluated: 2025-07-07. Review status: criteria provided, single submitter. Criteria: Natera Variant Classification Schema (03/2026). Collection method: clinical testing. Allele origin: germline.
Comment: The c.23983_23986dup variant in NEB is a frameshift variant predicted to shift the reading frame beginning at codon 7996 and leads to a stop codon 16 codons downstream. This variant is expected to result in nonsense mediated decay, truncation, or a dysfunctional protein product. This variant is rare in the general population with a frequency below the threshold expected for the associated phenotype(s). Given the available evidence, this variant is classified as Likely Pathogenic.

Baylor Genetics
Classification: Pathogenic for Arthrogryposis multiplex congenita 6. Last evaluated: 2023-08-30. Review status: criteria provided, single submitter. Criteria: ACMG Guidelines, 2015. Collection method: clinical testing. Allele origin: unknown.

Literature cited by the submitters: PubMed 36233295 (cited by Myriad Genetics, Inc.); PubMed 25205138 (cited by Labcorp Genetics (formerly Invitae), Labcorp).